The following is an entry in ClinVar:

NM_139319.3(SLC17A8):c.71C>A (p.Ala24Asp)

Gene: SLC17A8 (solute carrier family 17 member 8; plus strand). Cytogenetic location: 12q23.1.
Variant type: single nucleotide variant.
Coding change: c.71C>A on transcript NM_139319.3 (MANE Select); coding-DNA position 71, C replaced by A.
Protein change: p.Ala24Asp; replaces alanine 24 with aspartic acid.
Molecular consequence: missense variant.
Genome position (GRCh38, 1-based): chr12:100,357,462, C>A. VCF-style: chr12-100357462-C-A. GRCh37 (hg19) VCF-style: chr12-100751240-C-A.
Other names: c.71C>A, p.Ala24Asp (NM_001145288.2); short protein forms A24D.
Identifiers: ClinVar variation 4088239 (VCV004088239.1).

ClinVar aggregate classification (germline): Uncertain significance (1 of 4 stars; one submission).

Submission:

GeneDx
Classification: Uncertain significance. Last evaluated: 2025-03-25. Review status: criteria provided, single submitter. Criteria: GeneDx Variant Classification Process June 2021. Collection method: clinical testing. Allele origin: germline. Affected: yes.
Comment: Not observed at significant frequency in large population cohorts (gnomAD); In silico analysis indicates that this missense variant does not alter protein structure/function; Has not been previously published as pathogenic or benign to our knowledge